The following is an entry in ClinVar:

ClinVar aggregate classification (germline): Uncertain significance. Review status: criteria provided, multiple submitters, no conflicts (2 of 4 stars). 3 submissions from 3 submitters: Uncertain significance (3). Last evaluated 2025-12-02.

Conditions:
Congenital contractural arachnodactyly (CCA). Also called: BEALS SYNDROME; Beals-Hecht syndrome; Arthrogryposis, distal, type 9. Identifiers: Orphanet 115, MedGen C0220668, MONDO:0007363, OMIM 121050.
Familial thoracic aortic aneurysm and aortic dissection (TAAD). Also called: Thoracic aortic aneurysms and dissections. Identifiers: Orphanet 91387, MedGen C4707243, MONDO:0019625.

Submissions (3):

Labcorp Genetics (formerly Invitae), Labcorp
Classification: Uncertain significance for Congenital contractural arachnodactyly. Last evaluated: 2025-12-02. Review status: criteria provided, single submitter. Criteria: Invitae Variant Classification Sherloc (09022015). Collection method: clinical testing. Allele origin: germline.
Comment: This sequence change replaces glycine, which is neutral and non-polar, with glutamic acid, which is acidic and polar, at codon 2620 of the FBN2 protein (p.Gly2620Glu). This variant is present in population databases (no rsID available, gnomAD 0.002%). This variant has not been reported in the literature in individuals affected with FBN2-related conditions. ClinVar contains an entry for this variant (Variation ID: 458780). An algorithm developed to predict the effect of missense changes on protein structure and function (PolyPhen-2) suggests that this variant is likely to be disruptive. In summary, the available evidence is currently insufficient to determine the role of this variant in disease. Therefore, it has been classified as a Variant of Uncertain Significance.

Ambry Genetics
Classification: Uncertain significance for Familial thoracic aortic aneurysm and aortic dissection. Last evaluated: 2025-09-29. Review status: criteria provided, single submitter. Criteria: Ambry Variant Classification Scheme 2023. Collection method: clinical testing. Allele origin: germline.
Comment: The c.7859_7860delGGinsAA variant (also known as p.G2620E), located in coding exon 62 of the FBN2 gene, results from an in-frame deletion of GG and insertion of AA at nucleotide positions 7859 to 7860. This results in the substitution of the glycine residue for a glutamic acid residue at codon 2620, an amino acid with similar properties. This amino acid substitution (p.G2620E, described as c.7859G>A) was reported in a severe scoliosis cohort; however, clinical details were limited (Buchan JG et al. Hum Mol Genet, 2014 Oct;23:5271-82). This amino acid position is well conserved in available vertebrate species. In addition, the in silico prediction for this alteration is inconclusive (Choi Y et al. PLoS ONE. 2012; 7(10):e46688). Based on data from gnomAD, the delGGinsAA allele has an overall frequency of <0.01% (6/251316) total alleles studied. The highest observed frequency was 0.01% (6/113662) of European (non-Finnish) alleles. Based on the available evidence, the clinical significance of this variant remains unclear.

GeneDx
Classification: Uncertain significance. Last evaluated: 2025-07-24. Review status: criteria provided, single submitter. Criteria: GeneDx Variant Classification Process June 2021. Collection method: clinical testing. Allele origin: germline.
Comment: Has not been previously published as pathogenic or benign to our knowledge; Not observed at significant frequency in large population cohorts (gnomAD); In silico analysis supports a deleterious effect on protein structure/function; This variant is associated with the following publications: (PMID: 18767143, 19006240, 24833718)

Literature cited by the submitters: PubMed 24833718 (cited by Ambry Genetics).

NM_001999.4(FBN2):c.7859_7860delinsAA (p.Gly2620Glu)

Gene: FBN2 (fibrillin 2; minus strand). Cytogenetic location: 5q23.3.
Variant type: Indel.
Coding change: c.7859_7860delinsAA on transcript NM_001999.4 (MANE Select); coding-DNA positions 7859 to 7860, GG replaced by AA.
Protein change: p.Gly2620Glu; replaces glycine 2620 with glutamic acid.
Molecular consequence: missense variant.
Genome position (GRCh38, 1-based): chr5:128,272,099-128,272,100, CC replaced by TT on the plus strand (GG replaced by AA on the coding strand, the reverse complement: FBN2 is on the minus strand). VCF-style: chr5-128272099-CC-TT. GRCh37 (hg19) VCF-style: chr5-127607791-CC-TT.
Other names: c.7859_7860delinsAA (NM_001999.3); short protein forms G2620E.
Identifiers: ClinVar variation 458780 (VCV000458780.15), dbSNP rs1554116412, ClinGen allele CA658657482.
Genomic context (GRCh38, chr5:128,272,099, plus strand): 5'-GGGGCAGCCACATCTGTAGCCACCCAGGATGTTCTGGCAGCCGTGTTGGCACCTGTGGTT[CC>TT]CATCACATTCATCAACATCTGCAAAAACAAGCCCGGCAAAACCTTTATGTCACCTTTCTT-3'
Protein context (NP_001990.2, residues 2610-2630): LNCEDVDECD[Gly2620Glu]NHRCQHGCQN